The following is an entry in ClinVar:

ClinVar aggregate classification (germline): Conflicting classifications of pathogenicity. Review status: criteria provided, conflicting classifications (1 of 4 stars). 2 submissions from 2 submitters: Likely pathogenic (1); Uncertain significance (1). Last evaluated 2023-08-15.

Conditions:
Malignant hyperthermia, susceptibility to, 1 (MHS1). Also called: RYR1-Related Malignant Hyperthermia Susceptibility; Malignant hyperthermia suceptibility 1; Anesthesia related hyperthermia; Malignant hyperpyrexia; Fulminating hyperpyrexia; Pharmacogenic myopathy. Identifiers: Orphanet 423, MedGen C2930980, MONDO:0007783, OMIM 145600.
RYR1-related disorder. Also called: RYR1-related condition; RYR1-related disorders. Identifiers: MedGen CN239331.

gnomAD v4.1: 4 of 1,610,392 alleles (0.00025%); highest among the groups gnomAD compares: Non-Finnish European, 0.00034%; no homozygotes.

Submissions (2):

All of Us Research Program, National Institutes of Health
Classification: Uncertain significance for Malignant hyperthermia, susceptibility to, 1. Last evaluated: 2023-08-15. Review status: criteria provided, single submitter. Criteria: ACMG Guidelines, 2015. Collection method: clinical testing. Allele origin: germline. Inheritance: Autosomal dominant inheritance. Observed: 2 variant alleles, 2 heterozygotes.
Comment: This study involves interpretation of variants in research participants for the purpose of population health screening. Participant phenotype was not available at the time of variant classification. Additional details can be found in publication PMID: 35346344, PMCID: PMC8962531

Labcorp Genetics (formerly Invitae), Labcorp
Classification: Likely pathogenic for RYR1-related disorder. Last evaluated: 2023-07-31. Review status: criteria provided, single submitter. Criteria: Invitae Variant Classification Sherloc (09022015). Collection method: clinical testing. Allele origin: germline.
Comment: This sequence change affects an acceptor splice site in intron 48 of the RYR1 gene. It is expected to disrupt RNA splicing. Variants that disrupt the donor or acceptor splice site typically lead to a loss of protein function (PMID: 16199547), and loss-of-function variants in RYR1 are known to be pathogenic (PMID: 23919265, 25960145, 28818389, 30611313). The frequency data for this variant in the population databases is considered unreliable, as metrics indicate poor data quality at this position in the gnomAD database. This variant has not been reported in the literature in individuals affected with RYR1-related conditions. Algorithms developed to predict the effect of sequence changes on RNA splicing suggest that this variant may disrupt the consensus splice site. In summary, the currently available evidence indicates that the variant is pathogenic, but additional data are needed to prove that conclusively. Therefore, this variant has been classified as Likely Pathogenic.

Literature cited by the submitters: PubMed 16199547 (cited by Labcorp Genetics (formerly Invitae), Labcorp); PubMed 23919265 (cited by Labcorp Genetics (formerly Invitae), Labcorp); PubMed 25960145 (cited by Labcorp Genetics (formerly Invitae), Labcorp); PubMed 28818389 (cited by Labcorp Genetics (formerly Invitae), Labcorp); PubMed 30611313 (cited by Labcorp Genetics (formerly Invitae), Labcorp).

NM_000540.3(RYR1):c.7836-2A>G

Gene: RYR1 (ryanodine receptor 1; plus strand). Cytogenetic location: 19q13.2.
Variant type: single nucleotide variant.
Coding change: c.7836-2A>G on transcript NM_000540.3 (MANE Select); the canonical splice acceptor site of the intron before coding-DNA position 7836, A replaced by G.
Molecular consequence: splice acceptor variant.
Genome position (GRCh38, 1-based): chr19:38,502,878, A>G. VCF-style: chr19-38502878-A-G. GRCh37 (hg19) VCF-style: chr19-38993518-A-G.
Other names: c.7836-2A>G (NM_001042723.2).
Identifiers: ClinVar variation 2813511 (VCV002813511.4), dbSNP rs1406317092, ClinGen allele CA405673469.